The following is an entry in ClinVar:

NM_020791.4(TAOK1):c.841G>A (p.Val281Ile)

Gene: TAOK1 (TAO kinase 1; plus strand). Cytogenetic location: 17q11.2.
Variant type: single nucleotide variant.
Coding change: c.841G>A on transcript NM_020791.4 (MANE Select); coding-DNA position 841, G replaced by A.
Protein change: p.Val281Ile; replaces valine 281 with isoleucine.
Molecular consequence: missense variant.
Genome position (GRCh38, 1-based): chr17:29,495,569, G>A. VCF-style: chr17-29495569-G-A. GRCh37 (hg19) VCF-style: chr17-27822587-G-A.
Other names: c.841G>A, p.Val281Ile (NM_025142.1); short protein forms V281I.
Identifiers: ClinVar variation 3965359 (VCV003965359.2).

ClinVar aggregate classification (germline): Uncertain significance. Review status: criteria provided, multiple submitters, no conflicts (2 of 4 stars). 2 submissions from 2 submitters: Uncertain significance (2). Last evaluated 2026-08-06.

Conditions:
Inborn genetic diseases. Identifiers: MedGen C0950123, MeSH D030342.
Developmental delay with or without intellectual impairment or behavioral abnormalities. Identifiers: MedGen C5562004, MONDO:0859199, OMIM 619575.

gnomAD v4.1: 3 of 1,597,786 alleles (0.00019%); highest among the groups gnomAD compares: Admixed American, 0.0017%; no homozygotes.

Submissions (2):

OLLIN Analises Genomicas, OLLIN
Classification: Uncertain significance for Developmental delay with or without intellectual impairment or behavioral abnormalities. Last evaluated: 2026-08-06. Review status: criteria provided, single submitter. Criteria: ACMG Guidelines 2015 PMID 25741868. Collection method: clinical testing. Allele origin: germline.
Comment: This missense variant, located in exon 11 (of 20), has been reported in ClinVar (accession VCV003965359.1) and in gnomAD with an allele frequency of 0.00019%. However, to our knowledge, it has not been reported in the scientific literature. In silico analysis is inconclusive regarding the impact of this variant. This gene is constrained for missense variation. According to the currently available evidence, this variant has been classified as uncertain significance (PP2).

Ambry Genetics
Classification: Uncertain significance for Inborn genetic diseases. Last evaluated: 2025-04-17. Review status: criteria provided, single submitter. Criteria: Ambry Variant Classification Scheme 2023. Collection method: clinical testing. Allele origin: germline.